The following is an entry in ClinVar:

NM_000070.3(CAPN3):c.2230A>G (p.Ser744Gly)

Gene: CAPN3 (calpain 3; plus strand). Cytogenetic location: 15q15.1.
Variant type: single nucleotide variant.
Coding change: c.2230A>G on transcript NM_000070.3 (MANE Select); coding-DNA position 2230, A replaced by G.
Protein change: p.Ser744Gly; replaces serine 744 with glycine.
Molecular consequence: missense variant.
Genome position (GRCh38, 1-based): chr15:42,410,633, A>G. VCF-style: chr15-42410633-A-G. GRCh37 (hg19) VCF-style: chr15-42702831-A-G.
Other names: c.2212A>G, p.Ser738Gly (NM_024344.2); c.1954A>G, p.Ser652Gly (NM_173087.2); c.694A>G, p.Ser232Gly (NM_173088.2); c.235A>G, p.Ser79Gly (NM_173089.2, NM_173090.2); short protein forms S744G, S79G, S232G, S652G, S738G.
Identifiers: ClinVar variation 555001 (VCV000555001.20), dbSNP rs750083132, ClinGen allele CA7511776.

ClinVar aggregate classification (germline): Pathogenic/Likely pathogenic. Review status: criteria provided, multiple submitters, no conflicts (2 of 4 stars). 8 submissions from 8 submitters: Pathogenic (5); Likely pathogenic (2). 1 of the submissions does not count toward it. Last evaluated 2026-02-20.

Conditions:
Muscular dystrophy, limb-girdle, autosomal dominant 4. Also called: MUSCULAR DYSTROPHY, LIMB-GIRDLE, TYPE 1I; Calpain-3-related limb-girdle muscular dystrophy D4. Identifiers: Orphanet 565909, MedGen C4748295, MONDO:0029133, OMIM 618129.
Autosomal recessive limb-girdle muscular dystrophy. Identifiers: Orphanet 102015, MedGen C2931907, MONDO:0015152.
Autosomal recessive limb-girdle muscular dystrophy type 2A (LGMDR1). Also called: Muscular dystrophy, limb-girdle, type 2A, Amish; Limb-girdle muscular dystrophy, type 2A; Calpainopathy; LEYDEN-MOEBIUS MUSCULAR DYSTROPHY; MUSCULAR DYSTROPHY, PELVOFEMORAL. Identifiers: Orphanet 267, MedGen C1869123, MONDO:0009675, OMIM 253600. Disease mechanism: loss of function.

Allele frequency attached by ClinVar (database versions not stated): ExAC 0.00001; gnomAD exomes 0.00001.
gnomAD v4.1: 3 of 1,614,042 alleles (0.00019%); highest among the groups gnomAD compares: South Asian, 0.0033%; no homozygotes.

Submissions (8):

Myriad Genetics, Inc.
Classification: Likely pathogenic for Autosomal recessive limb-girdle muscular dystrophy type 2A. Last evaluated: 2026-02-20. Review status: criteria provided, single submitter. Criteria: Myriad Autosomal Dominant, Autosomal Recessive and X-Linked Classification Criteria (2023). Collection method: clinical testing. Allele origin: unknown.
Comment: NM_000070.2(CAPN3):c.2230A>G(S744G) is a missense variant classified as likely pathogenic in the context of calpainopathy. S744G has been observed in cases with relevant disease (PMID: 15757244, 9777948, 8624690, 9655129). Relevant functional assessments of this variant are not available in the literature. S744G has been observed in referenced population frequency databases. In summary, NM_000070.2(CAPN3):c.2230A>G(S744G) is a missense variant that has functional support for pathogenicity and has been observed more frequently in cases with the relevant disease than in healthy populations. Please note: this variant was assessed in the context of healthy population screening.

Natera, Inc.
Classification: Pathogenic for Limb-girdle muscular dystrophy type 2A. Last evaluated: 2024-09-30. Review status: criteria provided, single submitter. Criteria: Natera Variant Classification Schema (03/2026). Collection method: clinical testing. Allele origin: germline.
Comment: The c.2230A>G variant in CAPN3 is a missense variant predicted to cause substitution of serine to glycine at amino acid 744. This variant is rare in the general population with a frequency below the threshold expected for the associated phenotype(s). This variant has been observed in one or more individuals affected with the associated recessive disease, as either homozygous or compound heterozygous with a second variant (PMID: 9655129, 17236769, 9777948). Additionally, this variant has been observed to segregate in affected family members (PMID: 9655129). Functional studies show that this variant may disrupt protein function (PMID: 9642272, 10818750, 9777948). Computational prediction algorithms indicate this variant is likely to affect gene or protein function. Given the available evidence, this variant is classified as Pathogenic.

Revvity Omics, Revvity
Classification: Pathogenic. Last evaluated: 2023-12-07. Review status: criteria provided, single submitter. Criteria: ACMG Guidelines, 2015. Collection method: clinical testing. Allele origin: germline.

Women's Health and Genetics/Laboratory Corporation of America, LabCorp
Classification: Pathogenic for Autosomal recessive limb-girdle muscular dystrophy. Last evaluated: 2023-08-10. Review status: criteria provided, single submitter. Criteria: LabCorp Variant Classification Summary - May 2015. Collection method: clinical testing. Allele origin: germline.
Comment: Variant summary: CAPN3 c.2230A>G (p.Ser744Gly) results in a non-conservative amino acid change located in the EF-hand domain (IPR002048) of the encoded protein sequence. Three of five in-silico tools predict a damaging effect of the variant on protein function. The variant allele was found at a frequency of 8e-06 in 251302 control chromosomes. c.2230A>G has been reported in the literature in at-least three individuals affected with Limb-Girdle Muscular Dystrophy, Autosomal Recessive as being a compound heterozygous state along with two different pathogenic variants, respectively (examples: Anderson_1998, Ono_1998, Penisson-Besnier_1998, Richard_1995). At least two publications report experimental evidence evaluating an impact on protein function. The most pronounced variant effect results in completely loss of proteolysis activity against the substrate fodrin (Richard_1995). Additionally, significantly decreased CAPN3 levels in muscular biopsy, determined by Western blotting, have been found in at-least two patients carrying c.2230A>G and second null alleles, respectively (Anderson_1998). These data indicate that the variant is very likely associated with disease. The following publications have been ascertained in the context of this evaluation (PMID: 9777948, 9642272, 9655129, 7720071). Three submitters have cited clinical-significance assessments for this variant to ClinVar after 2014 (Pathogenic n=2; VUS n=1). Based on the evidence outlined above, the variant was classified as pathogenic.

Baylor Genetics
Classification: Likely pathogenic for Muscular dystrophy, limb-girdle, autosomal dominant 4. Last evaluated: 2022-09-06. Review status: criteria provided, single submitter. Criteria: ACMG Guidelines, 2015. Collection method: clinical testing. Allele origin: unknown.

Labcorp Genetics (formerly Invitae), Labcorp
Classification: Pathogenic for Autosomal recessive limb-girdle muscular dystrophy type 2A. Last evaluated: 2021-06-04. Review status: criteria provided, single submitter. Criteria: Invitae Variant Classification Sherloc (09022015). Collection method: clinical testing. Allele origin: germline.
Comment: This sequence change replaces serine with glycine at codon 744 of the CAPN3 protein (p.Ser744Gly). The serine residue is highly conserved and there is a small physicochemical difference between serine and glycine. This variant is present in population databases (rs750083132, ExAC 0.002%). This variant has been observed to segregate with limb-girdle muscular dystrophy in several families (PMID: 7720071, 8624690, 9655129). ClinVar contains an entry for this variant (Variation ID: 555001). Experimental studies have shown that this missense change causes constitutive autolysis (PMID: 9642272). For these reasons, this variant has been classified as Pathogenic.

Neuberg Centre For Genomic Medicine, NCGM
Classification: Pathogenic for Autosomal recessive limb-girdle muscular dystrophy type 2A. Review status: criteria provided, single submitter. Criteria: ACMG Guidelines, 2015. Collection method: clinical testing. Allele origin: germline. Inheritance: Autosomal recessive inheritance. Affected: yes.

Counsyl
Classification: Uncertain significance for Autosomal recessive limb-girdle muscular dystrophy type 2A. Last evaluated: 2017-11-10. Review status: no assertion criteria provided. Collection method: clinical testing. Allele origin: unknown. Not counted in ClinVar's aggregate classification.

Literature cited by the submitters: PubMed 15757244 (cited by Myriad Genetics, Inc.); PubMed 8624690 (cited by 3 submitters); PubMed 9655129 (cited by 4 submitters); PubMed 9777948 (cited by 4 submitters); PubMed 17236769 (cited by Natera, Inc.); PubMed 9642272 (cited by 4 submitters); PubMed 10818750 (cited by Natera, Inc.); PubMed 7720071 (cited by Women's Health and Genetics/Laboratory Corporation of America, LabCorp and Labcorp Genetics (formerly Invitae), Labcorp).